The following is an entry in ClinVar:

NM_021020.5(LZTS1):c.359G>A (p.Gly120Asp)

Gene: LZTS1 (leucine zipper tumor suppressor 1; minus strand). Cytogenetic location: 8p21.3.
Variant type: single nucleotide variant.
Coding change: c.359G>A on transcript NM_021020.5 (MANE Select); coding-DNA position 359, G replaced by A.
Protein change: p.Gly120Asp; replaces glycine 120 with aspartic acid.
Molecular consequence: missense variant.
Genome position (GRCh38, 1-based): chr8:20,253,572, C>T on the plus strand (G>A on the coding strand, the complement: LZTS1 is on the minus strand). VCF-style: chr8-20253572-C-T. GRCh37 (hg19) VCF-style: chr8-20111083-C-T.
Other names: c.359G>A, p.Gly120Asp (NM_001362884.2); short protein forms G120D.
Identifiers: ClinVar variation 4101961 (VCV004101961.2).

ClinVar aggregate classification (germline): Uncertain significance. Review status: criteria provided, multiple submitters, no conflicts (2 of 4 stars). 2 submissions from 2 submitters: Uncertain significance (2). Last evaluated 2026-01-12.

gnomAD v4.1: 1 of 1,461,334 alleles (0.000068%); highest among the groups gnomAD compares: Admixed American, 0.0026%; no homozygotes.

Submissions (2):

Labcorp Genetics (formerly Invitae), Labcorp
Classification: Uncertain significance. Last evaluated: 2026-01-12. Review status: criteria provided, single submitter. Criteria: Invitae Variant Classification Sherloc (09022015). Collection method: clinical testing. Allele origin: germline.
Comment: This sequence change replaces glycine, which is neutral and non-polar, with aspartic acid, which is acidic and polar, at codon 120 of the LZTS1 protein (p.Gly120Asp). This variant is not present in population databases (gnomAD no frequency). This variant has not been reported in the literature in individuals affected with LZTS1-related conditions. ClinVar contains an entry for this variant (Variation ID: 4101961). Invitae Evidence Modeling of protein sequence and biophysical properties (such as structural, functional, and spatial information, amino acid conservation, physicochemical variation, residue mobility, and thermodynamic stability) indicates that this missense variant is not expected to disrupt LZTS1 protein function with a negative predictive value of 80%. In summary, the available evidence is currently insufficient to determine the role of this variant in disease. Therefore, it has been classified as a Variant of Uncertain Significance.

Ambry Genetics
Classification: Uncertain significance. Last evaluated: 2025-06-18. Review status: criteria provided, single submitter. Criteria: Ambry Variant Classification Scheme 2023. Collection method: clinical testing. Allele origin: germline.